The following is an entry in ClinVar:

ClinVar aggregate classification (germline): Likely pathogenic (1 of 4 stars; one submission).

Submission:

Mayo Clinic Laboratories, Mayo Clinic
Classification: Likely pathogenic. Last evaluated: 2022-11-17. Review status: criteria provided, single submitter. Criteria: ACMG Guidelines, 2015. Collection method: clinical testing. Allele origin: germline. Observed: 1 variant allele.
Comment: PM2_supporting, PVS1

NM_001364905.1(LRBA):c.7389dup (p.Gly2464fs)

Gene: LRBA (LPS responsive beige-like anchor protein; minus strand). Cytogenetic location: 4q31.3.
Variant type: Duplication.
Coding change: c.7389dup on transcript NM_001364905.1 (MANE Select); coding-DNA position 7389, one base duplicated (T; older notation c.7389dupT).
Protein change: p.Gly2464fs; shifts the reading frame from glycine 2464.
Molecular consequence: frameshift variant.
Genome position (GRCh38, 1-based): chr4:150,325,872, A duplicated on the plus strand (T on the coding strand, the reverse complement: LRBA is on the minus strand); the first of 4 consecutive A bases (chr4:150,325,872-150,325,875); duplicating any one gives the same sequence. VCF-style (leftmost placement, unchanged base first): chr4-150325871-C-CA. GRCh37 (hg19) VCF-style: chr4-151247023-C-CA.
Other names: p.Gly2475Trpfs*68; c.7386dup, p.Gly2464Trpfs (NM_001199282.3); c.7389dup, p.Gly2464fs (NM_001367550.1); c.7419dup, p.Gly2475Trpfs (NM_006726.5); short protein forms G2464fs, G2475fs.
Identifiers: ClinVar variation 2683649 (VCV002683649.1), dbSNP rs2545893534, ClinGen allele CA2697546950.